The following is an entry in ClinVar:

ClinVar aggregate classification (germline): Benign/Likely benign. Review status: criteria provided, multiple submitters, no conflicts (2 of 4 stars). 2 submissions from 2 submitters: Benign (1); Likely benign (1). Last evaluated 2026-09-22.

Conditions:
Colorectal cancer, hereditary nonpolyposis, type 7. Identifiers: Orphanet 144, MedGen C1858380, MONDO:0013725, OMIM 614385.

Submissions (2):

Myriad Genetics, Inc.
Classification: Benign for Colorectal cancer, hereditary nonpolyposis, type 7. Last evaluated: 2026-09-22. Review status: criteria provided, single submitter. Criteria: Myriad Autosomal Dominant, Autosomal Recessive and X-Linked Classification Criteria (2023). Collection method: clinical testing. Allele origin: unknown.
Comment: This variant is considered benign. This variant is a silent/synonymous amino acid change and it is not expected to impact splicing.

Ambry Genetics
Classification: Likely benign. Last evaluated: 2021-05-24. Review status: criteria provided, single submitter. Criteria: Ambry Variant Classification Scheme 2023. Collection method: clinical testing. Allele origin: germline.

NM_001040108.2(MLH3):c.2877A>G (p.Thr959=)

Gene: MLH3 (mutL homolog 3; minus strand). Cytogenetic location: 14q24.3.
Variant type: single nucleotide variant.
Coding change: c.2877A>G on transcript NM_001040108.2 (MANE Select); coding-DNA position 2877, A replaced by G.
Protein change: p.Thr959=; no amino-acid change (threonine 959 retained).
Molecular consequence: synonymous variant.
Genome position (GRCh38, 1-based): chr14:75,046,779, T>C on the plus strand (A>G on the coding strand, the complement: MLH3 is on the minus strand). VCF-style: chr14-75046779-T-C. GRCh37 (hg19) VCF-style: chr14-75513482-T-C.
Other names: c.2877A>G, p.Thr959= (NM_014381.3).
Identifiers: ClinVar variation 1797110 (VCV001797110.3), dbSNP rs2503258857, ClinGen allele CA487273625.